The following is an entry in ClinVar:

NM_000141.5(FGFR2):c.1772A>G (p.Asn591Ser)

Gene: FGFR2 (fibroblast growth factor receptor 2; minus strand). Cytogenetic location: 10q26.13.
Variant type: single nucleotide variant.
Coding change: c.1772A>G on transcript NM_000141.5 (MANE Select); coding-DNA position 1772, A replaced by G.
Protein change: p.Asn591Ser; replaces asparagine 591 with serine.
Molecular consequence: missense variant. On other transcripts: non-coding transcript variant (1).
Genome position (GRCh38, 1-based): chr10:121,496,623, T>C on the plus strand (A>G on the coding strand, the complement: FGFR2 is on the minus strand). VCF-style: chr10-121496623-T-C. GRCh37 (hg19) VCF-style: chr10-123256137-T-C.
Other names: c.1775A>G, p.Asn592Ser (NM_001144913.1, NM_022970.4); c.1436A>G, p.Asn479Ser (NM_001144914.1); c.1505A>G, p.Asn502Ser (NM_001144915.2, NM_023029.3); c.1427A>G, p.Asn476Ser (NM_001144916.2); c.1424A>G, p.Asn475Ser (NM_001144917.2); c.1421A>G, p.Asn474Ser (NM_001144918.2); c.1508A>G, p.Asn503Ser (NM_001144919.2); c.1088A>G, p.Asn363Ser (NM_001320654.2); and 1 more; short protein forms N363S, N474S, N475S, N476S, N479S, N502S, N503S, N589S.
Identifiers: ClinVar variation 1716388 (VCV001716388.5), dbSNP rs2133938474, ClinGen allele CA378319940.

ClinVar aggregate classification (germline): Uncertain significance (1 of 4 stars; one submission).

Conditions:
FGFR2-related craniosynostosis. Identifiers: MedGen CN231480.

Submission:

Labcorp Genetics (formerly Invitae), Labcorp
Classification: Uncertain significance for FGFR2-related craniosynostosis. Last evaluated: 2022-09-12. Review status: criteria provided, single submitter. Criteria: Invitae Variant Classification Sherloc (09022015). Collection method: clinical testing. Allele origin: germline.
Comment: In summary, the available evidence is currently insufficient to determine the role of this variant in disease. Therefore, it has been classified as a Variant of Uncertain Significance. Advanced modeling of protein sequence and biophysical properties (such as structural, functional, and spatial information, amino acid conservation, physicochemical variation, residue mobility, and thermodynamic stability) performed at Invitae indicates that this missense variant is not expected to disrupt FGFR2 protein function. This variant has not been reported in the literature in individuals affected with FGFR2-related conditions. This variant is not present in population databases (gnomAD no frequency). This sequence change replaces asparagine, which is neutral and polar, with serine, which is neutral and polar, at codon 591 of the FGFR2 protein (p.Asn591Ser).